The following is an entry in ClinVar:

NM_032608.7(MYO18B):c.4129C>A (p.Leu1377Ile)

Gene: MYO18B (myosin XVIIIB; plus strand). Cytogenetic location: 22q12.1.
Variant type: single nucleotide variant.
Coding change: c.4129C>A on transcript NM_032608.7 (MANE Select); coding-DNA position 4129, C replaced by A.
Protein change: p.Leu1377Ile; replaces leucine 1377 with isoleucine.
Molecular consequence: missense variant.
Genome position (GRCh38, 1-based): chr22:25,876,237, C>A. VCF-style: chr22-25876237-C-A. GRCh37 (hg19) VCF-style: chr22-26272204-C-A.
Other names: c.4132C>A, p.Leu1378Ile (NM_001318245.2); short protein forms L1377I, L1378I.
Identifiers: ClinVar variation 2831055 (VCV002831055.3), dbSNP rs1162826959, ClinGen allele CA411007373.

ClinVar aggregate classification (germline): Uncertain significance (1 of 4 stars; one submission).

Submission:

Labcorp Genetics (formerly Invitae), Labcorp
Classification: Uncertain significance. Last evaluated: 2023-01-22. Review status: criteria provided, single submitter. Criteria: Invitae Variant Classification Sherloc (09022015). Collection method: clinical testing. Allele origin: germline.
Comment: This sequence change replaces leucine, which is neutral and non-polar, with isoleucine, which is neutral and non-polar, at codon 1377 of the MYO18B protein (p.Leu1377Ile). This variant is not present in population databases (gnomAD no frequency). This variant has not been reported in the literature in individuals affected with MYO18B-related conditions. An algorithm developed to predict the effect of missense changes on protein structure and function (PolyPhen-2) suggests that this variant is likely to be disruptive. In summary, the available evidence is currently insufficient to determine the role of this variant in disease. Therefore, it has been classified as a Variant of Uncertain Significance.